The following is an entry in ClinVar:

ClinVar aggregate classification (germline): Conflicting classifications of pathogenicity. Review status: criteria provided, conflicting classifications (1 of 4 stars). 6 submissions from 6 submitters: Uncertain significance (2); Benign (4). Last evaluated 2024-04-15.

Conditions:
Hereditary pancreatitis (PCTT). Also called: PRSS1-Related Hereditary Pancreatitis; Hereditary chronic pancreatitis. Identifiers: Orphanet 676, MedGen C0238339, MONDO:0008185, OMIM 167800.

Allele frequency attached by ClinVar (database versions not stated): 1000 Genomes Project 0.00020; ExAC 0.01678; 1000 Genomes Project 30x 0.16552.

Submissions (7):

Labcorp Genetics (formerly Invitae), Labcorp
Classification: Uncertain significance for Hereditary pancreatitis. Last evaluated: 2024-04-15. Review status: criteria provided, single submitter. Criteria: Invitae Variant Classification Sherloc (09022015). Collection method: clinical testing. Allele origin: germline.
Comment: This sequence change affects a donor splice site in intron 2 of the PRSS1 gene. It is expected to disrupt RNA splicing. Variants that disrupt the donor or acceptor splice site typically lead to a loss of protein function (PMID: 16199547), however the current clinical and genetic evidence is not sufficient to establish whether loss-of-function variants in PRSS1 cause disease. The frequency data for this variant in the population databases is considered unreliable, as metrics indicate poor data quality at this position in the gnomAD database. This variant has not been reported in the literature in individuals affected with PRSS1-related conditions. ClinVar contains an entry for this variant (Variation ID: 403350). Algorithms developed to predict the effect of sequence changes on RNA splicing suggest that this variant may disrupt the consensus splice site. In summary, the available evidence is currently insufficient to determine the role of this variant in disease. Therefore, it has been classified as a Variant of Uncertain Significance.

Women's Health and Genetics/Laboratory Corporation of America, LabCorp
Classification: Benign. Last evaluated: 2022-04-26. Review status: criteria provided, single submitter. Criteria: LabCorp Variant Classification Summary - May 2015. Collection method: clinical testing. Allele origin: germline.
Comment: Variant summary: PRSS1 c.200+1G>A alters a conserved nucleotide located in a canonical splice-site and is predicted to affect mRNA splicing resulting in a significantly altered protein due to either exon skipping, shortening, or inclusion of intronic material. Several computational tools predict a significant impact on normal splicing: Four predict the variant abolishes the canonical 5' splicing donor site. However, these predictions have yet to be confirmed by functional studies. As the molecular disease mechanism for PRSS1 mediated Chronic Pancreatitis is gain of function, loss of function variants in PRSS1 are not consistent with the established mechanism. The variant allele was found at a frequency of 0.00026 in 226894 control chromosomes in the gnomAD database, including 1 homozygote. The observed variant frequency is approximately 1.058 fold of the estimated maximal expected allele frequency for a pathogenic variant in PRSS1 causing Chronic Pancreatitis Risk phenotype (0.00025), strongly suggesting that the variant is benign. To our knowledge, no penetrant association of c.200+1G>A in individuals affected with Chronic Pancreatitis (CP) Risk and no experimental evidence demonstrating its impact on protein function have been reported. This variant is listed with a clinical significance of protective in one record of non-CP carriers reported in the "Genetic Risk Factors in Chronic Pancreatitis" database. Five clinical diagnostic laboratories have submitted clinical-significance assessments for this variant to ClinVar after 2014 without evidence for independent evaluation. Multiple laboratories reported the variant with conflicting assessments (Benign, n=3; VUS, n=2). Based on the evidence outlined above, the variant was classified as benign.

ARUP Laboratories, Molecular Genetics and Genomics, ARUP Laboratories
Classification: Uncertain significance for Hereditary pancreatitis. Last evaluated: 2020-12-08. Review status: criteria provided, single submitter. Criteria: ARUP Molecular Germline Variant Investigation Process 2021. Collection method: clinical testing. Allele origin: germline.
Comment: The PRSS1 c.200+1G>A variant (rs143909348) has been reported in an individual with chronic alcohol intake, but no presentation of pancreatitis (Chen 2003). This variant is also reported in ClinVar (Variation ID: 403350), and is found in the general population with an overall allele frequency of 0.46% (1128/246316 alleles, including a single homozygote) in the Genome Aggregation Database, but is considered a low confidence variant in the database. This variant disrupts the canonical splice donor site of intron 2, which is likely to negatively impact gene function. However, the loss of PRSS1 activity has been suggested to be protective against pancreatitis, and is supported by the absence of any nonsense or canonical splice site variants associated with hereditary pancreatitis (Chen 2003). Furthermore, loss-of-function variants in SPINK1, which is a PRSS1 inhibitor, are causative of hereditary pancreatitis (Chen 2000). Although the PRSS1 c.200+1G>A variant is considered unlikely to be disease-causing for pancreatitis, it is unknown if the variant could be associated with other clinical symptoms. References: Chen J et al. Mutational analysis of the human pancreatic secretory trypsin inhibitor (PSTI) gene in hereditary and sporadic chronic pancreatitis. J Med Genet. 2000; 37(1):67-9. Chen J et al. "Loss of function" mutations in the cationic trypsinogen gene (PRSS1) may act as a protective factor against pancreatitis. Mol Genet Metab. 2003; 79(1):67-70.

Mendelics
Classification: Benign for Hereditary pancreatitis. Last evaluated: 2019-05-28. Review status: criteria provided, single submitter. Criteria: Mendelics Assertion Criteria 2017. Collection method: clinical testing. Allele origin: unknown.

Ambry Genetics
Classification: Benign for Hereditary pancreatitis. Last evaluated: 2018-12-18. Review status: criteria provided, single submitter. Criteria: Ambry Variant Classification Scheme 2023. Collection method: clinical testing. Allele origin: germline.

Laboratory for Molecular Medicine, Mass General Brigham Personalized Medicine
Classification: Benign. Last evaluated: 2016-03-28. Review status: criteria provided, single submitter. Criteria: LMM Criteria. Collection method: clinical testing. Allele origin: germline.
Comment: Variant identified in a genome or exome case(s) and assessed due to predicted null impact of the variant or pathogenic assertions in the literature or databases. Disclaimer: This variant has not undergone full assessment. The following are preliminary notes: Does not pass quality filter; published as protective factor against pancreatitis

Dr. Peter K. Rogan Lab, Western University
No classification provided (evidence only). Condition: Acute myeloid leukemia. Review status: no classification provided. Collection method: in vitro. Allele origin: not applicable. Functional consequence: retained intron. Not counted in ClinVar's aggregate classification.

Literature cited by the submitters: PubMed 16199547 (cited by Labcorp Genetics (formerly Invitae), Labcorp); PubMed 12765848 (cited by Ambry Genetics); PubMed 24458023 (cited by Ambry Genetics).

NM_002769.5(PRSS1):c.200+1G>A

Genes: PRSS1 (serine protease 1; plus strand), TRB (T cell receptor beta locus; plus strand). Cytogenetic location: 7q34.
Variant type: single nucleotide variant.
Coding change: c.200+1G>A on transcript NM_002769.5 (MANE Select); the canonical splice donor site of the intron after coding-DNA position 200, G replaced by A.
Molecular consequence: splice donor variant.
Genome position (GRCh38, 1-based): chr7:142,750,715, G>A. VCF-style: chr7-142750715-G-A. GRCh37 (hg19) VCF-style: chr7-142458566-G-A.
Identifiers: ClinVar variation 403350 (VCV000403350.27), dbSNP rs143909348, ClinGen allele CA4529710.